The following is an entry in ClinVar:

ClinVar aggregate classification (germline): Likely benign. Review status: criteria provided, multiple submitters, no conflicts (2 of 4 stars). 2 submissions from 2 submitters: Likely benign (2). Last evaluated 2024-11-13.

gnomAD v4.1: 490 of 1,614,028 alleles (0.03%); highest among the groups gnomAD compares: African/African-American, 0.36%; 1 homozygote.

Submissions (2):

Blueprint Genetics
Classification: Likely benign. Last evaluated: 2024-11-13. Review status: criteria provided, single submitter. Criteria: ACMG Guidelines, 2015. Collection method: clinical testing. Allele origin: germline.

CeGaT Center for Human Genetics Tuebingen
Classification: Likely benign. Last evaluated: 2024-10-01. Review status: criteria provided, single submitter. Criteria: CeGaT Center For Human Genetics Tuebingen Variant Classification Criteria Version 2. Collection method: clinical testing. Allele origin: germline. Affected: yes. Observed: 1 variant allele.
Comment: FLG: BP4, BP7

NM_002016.2(FLG):c.5973G>A (p.Ala1991=)

Genes: CCDST (cervical cancer associated DHX9 suppressive transcript; plus strand), FLG (filaggrin; minus strand). Cytogenetic location: 1q21.3.
Variant type: single nucleotide variant.
Coding change: c.5973G>A on transcript NM_002016.2 (MANE Select); coding-DNA position 5973, G replaced by A.
Protein change: p.Ala1991=; no amino-acid change (alanine 1991 retained).
Molecular consequence: synonymous variant.
Genome position (GRCh38, 1-based): chr1:152,308,913, C>T on the plus strand (G>A on the coding strand, the complement: FLG is on the minus strand). VCF-style: chr1-152308913-C-T. GRCh37 (hg19) VCF-style: chr1-152281389-C-T.
Identifiers: ClinVar variation 3388436 (VCV003388436.15).
Genomic context (GRCh38, chr1:152,308,913, plus strand): 5'-GAGCTGGTGGTGGGATCCATGTCTTTCTCCTGCACTTGATCTTGCCTGTTCATGGGATGA[C>T]GCAGCCTGTCCACGAGAGGAAGACTCTGTGTGACGAGTGCCTGATTGTCTGGAGCTGTCT-3'
Protein context (NP_002007.1, residues 1981-2001): HTESSSRGQA[Ala1991=]SSHEQARSSA